The following is an entry in ClinVar:

ClinVar aggregate classification (germline): Uncertain significance (1 of 4 stars; one submission).

Conditions:
Congenital heart defects and skeletal malformations syndrome. Identifiers: Orphanet 643503, MedGen C4539857, MONDO:0060532, OMIM 617602.

Submission:

3billion
Classification: Uncertain significance for Congenital heart defects and skeletal malformations syndrome. Last evaluated: 2022-01-03. Review status: criteria provided, single submitter. Criteria: ACMG Guidelines, 2015. Collection method: clinical testing. Allele origin: germline. Affected: yes. Observed: 1 heterozygote.
Comment: The variant is located in a well-established functional domain or exonic hotspot, where pathogenic variants have frequently reported (PM1_M). It is not observed in the gnomAD v2.1.1 dataset (PM2_M). A missense variant is a common mechanism associated with Congenital heart defects and skeletal malformations syndrome (PP2_P). Therefore, this variant is classified as uncertain significance according to the recommendation of ACMG/AMP guideline.

NM_005157.6(ABL1):c.1378C>A (p.Arg460Ser)

Gene: ABL1 (ABL proto-oncogene 1, non-receptor tyrosine kinase; plus strand). Cytogenetic location: 9q34.12.
Variant type: single nucleotide variant.
Coding change: c.1378C>A on transcript NM_005157.6 (MANE Select); coding-DNA position 1378, C replaced by A.
Protein change: p.Arg460Ser; replaces arginine 460 with serine.
Molecular consequence: missense variant.
Genome position (GRCh38, 1-based): chr9:130,878,522, C>A. VCF-style: chr9-130878522-C-A. GRCh37 (hg19) VCF-style: chr9-133753909-C-A.
Other names: c.1435C>A, p.Arg479Ser (NM_007313.3); short protein forms R460S, R479S.
Identifiers: ClinVar variation 1333404 (VCV001333404.1), dbSNP rs746156716, ClinGen allele CA375251222.